The following is an entry in ClinVar:

ClinVar aggregate classification (germline): Uncertain significance. Review status: criteria provided, multiple submitters, no conflicts (2 of 4 stars). 2 submissions from 2 submitters: Uncertain significance (2). Last evaluated 2025-08-12.

Conditions:
Inborn genetic diseases. Identifiers: MedGen C0950123, MeSH D030342.

Allele frequency attached by ClinVar (database versions not stated): gnomAD exomes 0.00002; ExAC 0.00007; 1000 Genomes Project 30x 0.00016; 1000 Genomes Project 0.00020; gnomAD 0.00020; TOPMed 0.00021; ESP Exome Variant Server 0.00032.
gnomAD v4.1: 62 of 1,608,984 alleles (0.0039%); highest among the groups gnomAD compares: African/African-American, 0.069%; no homozygotes.

Submissions (2):

Ambry Genetics
Classification: Uncertain significance for Inborn genetic diseases. Last evaluated: 2025-08-12. Review status: criteria provided, single submitter. Criteria: Ambry Variant Classification Scheme 2023. Collection method: clinical testing. Allele origin: germline.

Labcorp Genetics (formerly Invitae), Labcorp
Classification: Uncertain significance. Last evaluated: 2022-06-14. Review status: criteria provided, single submitter. Criteria: Invitae Variant Classification Sherloc (09022015). Collection method: clinical testing. Allele origin: germline.
Comment: This sequence change replaces threonine, which is neutral and polar, with methionine, which is neutral and non-polar, at codon 133 of the LRRK1 protein (p.Thr133Met). This variant is present in population databases (rs200045067, gnomAD 0.07%). This variant has not been reported in the literature in individuals affected with LRRK1-related conditions. Algorithms developed to predict the effect of missense changes on protein structure and function output the following: SIFT: "Tolerated"; PolyPhen-2: "Benign"; Align-GVGD: "Class C0". The methionine amino acid residue is found in multiple mammalian species, which suggests that this missense change does not adversely affect protein function. In summary, the available evidence is currently insufficient to determine the role of this variant in disease. Therefore, it has been classified as a Variant of Uncertain Significance.

NM_024652.6(LRRK1):c.398C>T (p.Thr133Met)

Gene: LRRK1 (leucine rich repeat kinase 1; plus strand). Cytogenetic location: 15q26.3.
Variant type: single nucleotide variant.
Coding change: c.398C>T on transcript NM_024652.6 (MANE Select); coding-DNA position 398, C replaced by T.
Protein change: p.Thr133Met; replaces threonine 133 with methionine.
Molecular consequence: missense variant.
Genome position (GRCh38, 1-based): chr15:100,983,664, C>T. VCF-style: chr15-100983664-C-T. GRCh37 (hg19) VCF-style: chr15-101523869-C-T.
Other names: c.398C>T (NM_024652.3); short protein forms T133M.
Identifiers: ClinVar variation 2183534 (VCV002183534.2), dbSNP rs200045067, ClinGen allele CA7760551.